The following is an entry in ClinVar:

NM_000548.5(TSC2):c.4959C>G (p.Ser1653=)

Gene: TSC2 (TSC complex subunit 2; plus strand). Cytogenetic location: 16p13.3.
Variant type: single nucleotide variant.
Coding change: c.4959C>G on transcript NM_000548.5 (MANE Select); coding-DNA position 4959, C replaced by G.
Protein change: p.Ser1653=; no amino-acid change (serine 1653 retained).
Molecular consequence: synonymous variant.
Genome position (GRCh38, 1-based): chr16:2,086,841, C>G. VCF-style: chr16-2086841-C-G. GRCh37 (hg19) VCF-style: chr16-2136842-C-G.
Other names: c.4758C>G, p.Ser1586= (NM_001077183.3); c.4890C>G, p.Ser1630= (NM_001114382.3); c.4650C>G, p.Ser1550= (NM_001318827.2); c.4614C>G, p.Ser1538= (NM_001318829.2); c.4227C>G, p.Ser1409= (NM_001318831.2); c.4791C>G, p.Ser1597= (NM_001318832.2); c.4761C>G, p.Ser1587= (NM_001363528.2); c.4827C>G, p.Ser1609= (NM_001370404.1); and 1 more.
Identifiers: ClinVar variation 468122 (VCV000468122.21), dbSNP rs45517384, ClinGen allele CA492960008.
Genomic context (GRCh38, chr16:2,086,841, plus strand): 5'-CCGCTGCGACAAGAAGCGCCACCTGGGCAACGACTTTGTGTCCATTGTCTACAATGACTC[C>G]GGTGAGGACTTCAAGCTTGGCACCATCAAGGTGAGTGAGGGGCCGTCAGTGAGGCTGGGC-3'
Protein context (NP_000539.2, residues 1643-1663): NDFVSIVYND[Ser1653=]GEDFKLGTIK

ClinVar aggregate classification (germline): Likely benign. Review status: criteria provided, multiple submitters, no conflicts (2 of 4 stars). 3 submissions from 3 submitters: Likely benign (3). Last evaluated 2025-08-01.

Conditions:
Hereditary cancer-predisposing syndrome. Also called: Hereditary neoplastic syndrome; Tumor predisposition; Neoplastic Syndromes, Hereditary; Hereditary Cancer Syndrome. Identifiers: Orphanet 140162, MedGen C0027672, MeSH D009386, MONDO:0015356.
Tuberous sclerosis 2 (TSC2). Identifiers: Orphanet 805, MedGen C1860707, MONDO:0013199, OMIM 613254.

Submissions (3):

CeGaT Center for Human Genetics Tuebingen
Classification: Likely benign. Last evaluated: 2025-08-01. Review status: criteria provided, single submitter. Criteria: CeGaT Center For Human Genetics Tuebingen Variant Classification Criteria Version 2. Collection method: clinical testing. Allele origin: germline. Affected: yes. Observed: 1 variant allele.
Comment: TSC2: PM2:Supporting, BP4, BP7

Labcorp Genetics (formerly Invitae), Labcorp
Classification: Likely benign for Tuberous sclerosis 2. Last evaluated: 2023-09-10. Review status: criteria provided, single submitter. Criteria: Invitae Variant Classification Sherloc (09022015). Collection method: clinical testing. Allele origin: germline.

Ambry Genetics
Classification: Likely benign for Hereditary cancer-predisposing syndrome. Last evaluated: 2021-09-24. Review status: criteria provided, single submitter. Criteria: Ambry Variant Classification Scheme 2023. Collection method: clinical testing. Allele origin: germline.